The following is an entry in ClinVar:

NM_000503.6(EYA1):c.164C>T (p.Thr55Met)

Gene: EYA1 (EYA transcriptional coactivator and phosphatase 1; minus strand). Cytogenetic location: 8q13.3.
Variant type: single nucleotide variant.
Coding change: c.164C>T on transcript NM_000503.6 (MANE Select); coding-DNA position 164, C replaced by T.
Protein change: p.Thr55Met; replaces threonine 55 with methionine.
Molecular consequence: missense variant. On other transcripts: 5 prime UTR variant (1).
Genome position (GRCh38, 1-based): chr8:71,334,135, G>A on the plus strand (C>T on the coding strand, the complement: EYA1 is on the minus strand). VCF-style: chr8-71334135-G-A. GRCh37 (hg19) VCF-style: chr8-72246370-G-A.
Other names: c.164C>T (NM_172058.3); c.164C>T, p.Thr55Met (NM_001288574.2, NM_001370334.1, NM_001370335.1 and 1 more transcripts); c.-121C>T (NM_001288575.2); c.251C>T, p.Thr84Met (NM_001370333.1, NM_001370336.1, NM_172059.5); short protein forms T55M, T84M.
Identifiers: ClinVar variation 178689 (VCV000178689.20), dbSNP rs201434219, ClinGen allele CA182790.

ClinVar aggregate classification (germline): Conflicting classifications of pathogenicity. Review status: criteria provided, conflicting classifications (1 of 4 stars). 8 submissions from 8 submitters: Uncertain significance (1); Likely benign (7). Last evaluated 2026-06-01.

Conditions:
Melnick-Fraser syndrome (BOR). Also called: Branchiootorenal Syndrome (BORS); Branchiootorenal syndrome; Branchio-oto-renal syndrome. Identifiers: Orphanet 107, MedGen C0265234, MONDO:0007029.
EYA1-related disorder. Also called: EYA1-related condition.
Branchiootorenal syndrome 1. Also called: Branchio-Oto-Renal Syndrome 1. Identifiers: Orphanet 107, MedGen C4551702, MONDO:0007236, OMIM 113650.
Branchiootic syndrome 1 (BOS1). Also called: BO SYNDROME 1; BRANCHIOOTIC DYSPLASIA. Identifiers: MedGen C1865143, MONDO:0011258, OMIM 602588.

Allele frequency attached by ClinVar (database versions not stated): ExAC 0.00017; 1000 Genomes Project 0.00020; gnomAD exomes 0.00021 and 0.00029; gnomAD 0.00023; TOPMed 0.00028; 1000 Genomes Project 30x 0.00031.
gnomAD v4.1: 351 of 1,613,640 alleles (0.022%); highest among the groups gnomAD compares: Middle Eastern, 0.083%; no homozygotes.

Submissions (8):

CeGaT Center for Human Genetics Tuebingen
Classification: Likely benign. Last evaluated: 2026-06-01. Review status: criteria provided, single submitter. Criteria: CeGaT Center For Human Genetics Tuebingen Variant Classification Criteria Version 2. Collection method: clinical testing. Allele origin: germline. Affected: yes. Observed: 1 variant allele.
Comment: EYA1: BP4

PreventionGenetics, part of Exact Sciences
Classification: Likely benign for EYA1-related condition. Last evaluated: 2026-03-24. Review status: criteria provided, single submitter. Criteria: ACMG Guidelines, 2015. Collection method: clinical testing. Allele origin: germline.
Comment: This variant is classified as likely benign based on ACMG/AMP sequence variant interpretation guidelines (Richards et al. 2015 PMID: 25741868, with internal and published modifications).

Labcorp Genetics (formerly Invitae), Labcorp
Classification: Likely benign for Melnick-Fraser syndrome. Last evaluated: 2025-09-02. Review status: criteria provided, single submitter. Criteria: Invitae Variant Classification Sherloc (09022015). Collection method: clinical testing. Allele origin: germline.

Blueprint Genetics
Classification: Likely benign. Last evaluated: 2024-10-15. Review status: criteria provided, single submitter. Criteria: ACMG Guidelines, 2015. Collection method: clinical testing. Allele origin: germline.

GeneDx
Classification: Likely benign. Last evaluated: 2020-05-01. Review status: criteria provided, single submitter. Criteria: GeneDx Variant Classification Process June 2021. Collection method: clinical testing. Allele origin: germline. Affected: yes.
Comment: In silico analysis, which includes protein predictors and evolutionary conservation, supports that this variant does not alter protein structure/function; This variant is associated with the following publications: (PMID: 21280147, 27657687, 25107291, 24803398, 18220287)

Laboratory for Molecular Medicine, Mass General Brigham Personalized Medicine
Classification: Likely benign. Last evaluated: 2017-06-06. Review status: criteria provided, single submitter. Criteria: LMM Criteria. Collection method: clinical testing. Allele origin: germline. Observed: 7 variant alleles.
Comment: p.Thr55Met in exon 3 of EYA1: This variant is not expected to have clinical sign ificance because it has been identified in 0.3% (28/10146) of Ashkenazi Jewish c hromosomes by the Genome Aggregation Database (gnomAD; dbSNP rs201434219). Although this variant has been previously reported in the literature in three individuals with renal anomalies or unspecified feat ures of branchio-oto-renal syndrome (BOR; Orten 2008, Longoni 2014, Bekheirnia 2 017), it was also identified in an unaffected parent of one of these individuals (Bekheirnia 2017). Furthermore, it has been identified by our laboratory in 4 individuals with hearing loss but no BOR features, including two with an alterna te explanation for the hearing loss identified. In summary, this variant is like ly benign based on its frequency in the general population and its presence in a n unaffected parent.

Illumina Laboratory Services, Illumina
Classification: Likely benign for Branchiootic syndrome. Last evaluated: 2017-04-27. Review status: criteria provided, single submitter. Criteria: ICSL Variant Classification Criteria 13 December 2019. Collection method: clinical testing. Allele origin: germline.
Comment: This variant was observed as part of a predisposition screen in an ostensibly healthy population. A literature search was performed for the gene, cDNA change, and amino acid change (where applicable). Publications were found based on this search. The evidence from the literature, in combination with allele frequency data from public databases where available, was sufficient to determine this variant is unlikely to cause disease. Therefore, this variant is classified as likely benign.

Lupski Lab, Baylor-Hopkins CMG, Baylor College of Medicine
Classification: Uncertain significance for Branchiootorenal syndrome 1. Review status: criteria provided, single submitter. Criteria: Bekheirnia et al. (Genet Med. 2016). Collection method: research. Allele origin: unknown. Inheritance: Autosomal dominant inheritance. Affected: no. Observed: 1 heterozygote.

Literature cited by the submitters: PubMed 18220287 (cited by Laboratory for Molecular Medicine, Mass General Brigham Personalized Medicine and Illumina Laboratory Services, Illumina); PubMed 21280147 (cited by Laboratory for Molecular Medicine, Mass General Brigham Personalized Medicine); PubMed 25107291 (cited by Laboratory for Molecular Medicine, Mass General Brigham Personalized Medicine); PubMed 27657687 (cited by Laboratory for Molecular Medicine, Mass General Brigham Personalized Medicine).